The following is an entry in ClinVar:

NM_020442.6(VARS2):c.1807-3_1807-1delinsAA

Genes: VARS2 (valyl-tRNA synthetase 2, mitochondrial; plus strand), LOC126859646 (MED14-independent group 3 enhancer GRCh37_chr6:30889690-30890889; plus strand). Cytogenetic location: 6p21.33.
Variant type: Indel.
Coding change: c.1807-3_1807-1delinsAA on transcript NM_020442.6 (MANE Select); 3 bases into the intron before coding-DNA position 1807 through the canonical splice acceptor site of the intron before coding-DNA position 1807, TAG replaced by AA.
Molecular consequence: splice acceptor variant.
Genome position (GRCh38, 1-based): chr6:30,922,113-30,922,115, TAG replaced by AA. VCF-style: chr6-30922113-TAG-AA. GRCh37 (hg19) VCF-style: chr6-30889890-TAG-AA.
Other names: c.1897-3_1897-1delinsAA (NM_001167734.2); c.1387-3_1387-1delinsAA (NM_001167733.3).
Identifiers: ClinVar variation 3378052 (VCV003378052.1).

ClinVar aggregate classification (germline): Likely pathogenic (1 of 4 stars; one submission).

Submission:

GeneDx
Classification: Likely pathogenic. Last evaluated: 2024-05-17. Review status: criteria provided, single submitter. Criteria: GeneDx Variant Classification Process June 2021. Collection method: clinical testing. Allele origin: germline. Affected: yes.
Comment: Has not been previously published as pathogenic or benign to our knowledge; Not observed at significant frequency in large population cohorts (gnomAD); Canonical splice site variant predicted to result in an in-frame loss of the adjacent exon in a gene for which loss of function is a known mechanism of disease